The following is an entry in ClinVar:

NM_152419.3(HGSNAT):c.285G>A (p.Lys95=)

Gene: HGSNAT (heparan-alpha-glucosaminide N-acetyltransferase; plus strand). Cytogenetic location: 8p11.21.
Variant type: single nucleotide variant.
Coding change: c.285G>A on transcript NM_152419.3 (MANE Select); coding-DNA position 285, G replaced by A.
Protein change: p.Lys95=; no amino-acid change (lysine 95 retained).
Molecular consequence: synonymous variant. On other transcripts: 5 prime UTR variant (1).
Genome position (GRCh38, 1-based): chr8:43,158,625, G>A. VCF-style: chr8-43158625-G-A. GRCh37 (hg19) VCF-style: chr8-43013768-G-A.
Other names: c.285G>A, p.Lys95= (NM_001363227.2, NM_001363228.2); c.-549G>A (NM_001363229.2).
Identifiers: ClinVar variation 726774 (VCV000726774.11), dbSNP rs752466254, ClinGen allele CA4736472.

ClinVar aggregate classification (germline): Likely benign. Review status: criteria provided, multiple submitters, no conflicts (2 of 4 stars). 3 submissions from 3 submitters: Likely benign (2). 1 of the submissions does not count toward it. Last evaluated 2025-06-02.

Conditions:
Mucopolysaccharidosis, MPS-III-C (MPS3C). Also called: MUCOPOLYSACCHARIDOSIS, TYPE IIIC; mucopolysaccharidosis type 3C; SANFILIPPO SYNDROME C; MPS III C; MPS IIIC (Sanfilippo Syndrome Type C); Mucopolysaccharidosis type IIIC (Sanfilippo C). Identifiers: Orphanet 581, Orphanet 79271, MedGen C0086649, MONDO:0009657, OMIM 252930.
Retinitis pigmentosa 73 (RP73). Identifiers: Orphanet 791, MedGen C4225287, MONDO:0014687, OMIM 616544.
HGSNAT-related disorder. Also called: HGSNAT-related condition.

Allele frequency attached by ClinVar (database versions not stated): ExAC 0.00002; gnomAD 0.00003 and 0.00004; gnomAD exomes 0.00002; TOPMed 0.00003.
gnomAD v4.1: 18 of 1,613,878 alleles (0.0011%); highest among the groups gnomAD compares: Middle Eastern, 0.016%; no homozygotes.

Submissions (3):

Labcorp Genetics (formerly Invitae), Labcorp
Classification: Likely benign for Retinitis pigmentosa 73; Mucopolysaccharidosis, MPS-III-C. Last evaluated: 2025-06-02. Review status: criteria provided, single submitter. Criteria: Invitae Variant Classification Sherloc (09022015). Collection method: clinical testing. Allele origin: germline.

PreventionGenetics, part of Exact Sciences
Classification: Likely benign for HGSNAT-related condition. Last evaluated: 2024-11-15. Review status: criteria provided, single submitter. Criteria: ACMG Guidelines, 2015. Collection method: clinical testing. Allele origin: germline.
Comment: This variant is classified as likely benign based on ACMG/AMP sequence variant interpretation guidelines (Richards et al. 2015 PMID: 25741868, with internal and published modifications).

Natera, Inc.
Classification: Likely benign for Mucopolysaccharidosis type IIIC. Last evaluated: 2020-09-22. Review status: no assertion criteria provided. Collection method: clinical testing. Allele origin: germline. Not counted in ClinVar's aggregate classification.